The following is an entry in ClinVar:

NM_000038.6(APC):c.7155C>T (p.Ser2385=)

Gene: APC (APC regulator of Wnt signaling pathway; plus strand). Cytogenetic location: 5q22.2.
Variant type: single nucleotide variant.
Coding change: c.7155C>T on transcript NM_000038.6 (MANE Select); coding-DNA position 7155, C replaced by T.
Protein change: p.Ser2385=; no amino-acid change (serine 2385 retained).
Molecular consequence: synonymous variant. On other transcripts: non-coding transcript variant (2).
Genome position (GRCh38, 1-based): chr5:112,842,749, C>T. VCF-style: chr5-112842749-C-T. GRCh37 (hg19) VCF-style: chr5-112178446-C-T.
Other names: c.7155C>T, p.Ser2385= (NM_001127510.3, NM_001354895.2, NM_001407450.1); c.7101C>T, p.Ser2367= (NM_001127511.3); c.7209C>T, p.Ser2403= (NM_001354896.2, NM_001407447.1, NM_001407448.1 and 1 more transcripts); c.7185C>T, p.Ser2395= (NM_001354897.2); c.7080C>T, p.Ser2360= (NM_001354898.2); c.7071C>T, p.Ser2357= (NM_001354899.2); c.7032C>T, p.Ser2344= (NM_001354900.2); c.6978C>T, p.Ser2326= (NM_001354901.2, NM_001407453.1); and 11 more.
Identifiers: ClinVar variation 1757411 (VCV001757411.6), dbSNP rs2149981130, ClinGen allele CA446210146.

ClinVar aggregate classification (germline): Benign/Likely benign. Review status: criteria provided, multiple submitters, no conflicts (2 of 4 stars). 3 submissions from 3 submitters: Benign (1); Likely benign (2). Last evaluated 2024-06-10.

Conditions:
Hereditary cancer-predisposing syndrome. Also called: Neoplastic Syndromes, Hereditary; Tumor predisposition; Hereditary Cancer Syndrome; Hereditary neoplastic syndrome. Identifiers: Orphanet 140162, MedGen C0027672, MeSH D009386, MONDO:0015356.
Familial adenomatous polyposis 1 (FAP1). Also called: FAMILIAL ADENOMATOUS POLYPOSIS 1, ATTENUATED; POLYPOSIS, ADENOMATOUS INTESTINAL. Identifiers: MedGen C2713442, MONDO:0021056, OMIM 175100. Disease mechanism: loss of function.

Submissions (3):

Labcorp Genetics (formerly Invitae), Labcorp
Classification: Likely benign for Familial adenomatous polyposis 1. Last evaluated: 2024-06-10. Review status: criteria provided, single submitter. Criteria: Invitae Variant Classification Sherloc (09022015). Collection method: clinical testing. Allele origin: germline.

Myriad Genetics, Inc.
Classification: Benign for Familial adenomatous polyposis 1. Last evaluated: 2024-04-09. Review status: criteria provided, single submitter. Criteria: Myriad Autosomal Dominant, Autosomal Recessive and X-Linked Classification Criteria (2023). Collection method: clinical testing. Allele origin: unknown.
Comment: This variant is considered benign. This variant is a silent/synonymous amino acid change and it is not expected to impact splicing.

Ambry Genetics
Classification: Likely benign for Hereditary cancer-predisposing syndrome. Last evaluated: 2021-08-10. Review status: criteria provided, single submitter. Criteria: Ambry Variant Classification Scheme 2023. Collection method: clinical testing. Allele origin: germline.